The following is an entry in ClinVar:

NM_000836.4(GRIN2D):c.313G>T (p.Asp105Tyr)

Gene: GRIN2D (glutamate ionotropic receptor NMDA type subunit 2D; plus strand). Cytogenetic location: 19q13.33.
Variant type: single nucleotide variant.
Coding change: c.313G>T on transcript NM_000836.4 (MANE Select); coding-DNA position 313, G replaced by T.
Protein change: p.Asp105Tyr; replaces aspartic acid 105 with tyrosine.
Molecular consequence: missense variant.
Genome position (GRCh38, 1-based): chr19:48,398,705, G>T. VCF-style: chr19-48398705-G-T. GRCh37 (hg19) VCF-style: chr19-48901962-G-T.
Other names: short protein forms D105Y.
Identifiers: ClinVar variation 2110780 (VCV002110780.4), dbSNP rs1309442475, ClinGen allele CA406688939.

ClinVar aggregate classification (germline): Uncertain significance (1 of 4 stars; one submission).

gnomAD v4.1: 1 of 1,465,730 alleles (0.000068%); highest among the groups gnomAD compares: Non-Finnish European, 0.00009%; no homozygotes.

Submission:

Labcorp Genetics (formerly Invitae), Labcorp
Classification: Uncertain significance. Last evaluated: 2024-08-12. Review status: criteria provided, single submitter. Criteria: Invitae Variant Classification Sherloc (09022015). Collection method: clinical testing. Allele origin: germline.
Comment: This sequence change replaces aspartic acid, which is acidic and polar, with tyrosine, which is neutral and polar, at codon 105 of the GRIN2D protein (p.Asp105Tyr). This variant is present in population databases (no rsID available, gnomAD 0.004%). This variant has not been reported in the literature in individuals affected with GRIN2D-related conditions. ClinVar contains an entry for this variant (Variation ID: 2110780). Advanced modeling of protein sequence and biophysical properties (such as structural, functional, and spatial information, amino acid conservation, physicochemical variation, residue mobility, and thermodynamic stability) has been performed at Invitae for this missense variant, however the output from this modeling did not meet the statistical confidence thresholds required to predict the impact of this variant on GRIN2D protein function. In summary, the available evidence is currently insufficient to determine the role of this variant in disease. Therefore, it has been classified as a Variant of Uncertain Significance.